The following is an entry in ClinVar:

NM_004655.4(AXIN2):c.1427A>T (p.Gln476Leu)

Gene: AXIN2 (axin 2; minus strand). Cytogenetic location: 17q24.1.
Variant type: single nucleotide variant.
Coding change: c.1427A>T on transcript NM_004655.4 (MANE Select); coding-DNA position 1427, A replaced by T.
Protein change: p.Gln476Leu; replaces glutamine 476 with leucine.
Molecular consequence: missense variant.
Genome position (GRCh38, 1-based): chr17:65,537,609, T>A on the plus strand (A>T on the coding strand, the complement: AXIN2 is on the minus strand). VCF-style: chr17-65537609-T-A. GRCh37 (hg19) VCF-style: chr17-63533727-T-A.
Other names: c.1427A>T, p.Gln476Leu (NM_001363813.1); short protein forms Q476L.
Identifiers: ClinVar variation 3814791 (VCV003814791.1).

ClinVar aggregate classification (germline): Uncertain significance (1 of 4 stars; one submission).

Conditions:
Hereditary cancer-predisposing syndrome. Also called: Hereditary neoplastic syndrome; Neoplastic Syndromes, Hereditary; Tumor predisposition; Hereditary Cancer Syndrome. Identifiers: Orphanet 140162, MedGen C0027672, MeSH D009386, MONDO:0015356.

gnomAD v4.1: 1 of 1,600,730 alleles (0.000062%); highest among the groups gnomAD compares: Non-Finnish European, 0.000085%; no homozygotes.

Submission:

Ambry Genetics
Classification: Uncertain significance for Hereditary cancer-predisposing syndrome. Last evaluated: 2025-03-07. Review status: criteria provided, single submitter. Criteria: Ambry Variant Classification Scheme 2023. Collection method: clinical testing. Allele origin: germline.
Comment: The p.Q476L variant (also known as c.1427A>T), located in coding exon 5 of the AXIN2 gene, results from an A to T substitution at nucleotide position 1427. The glutamine at codon 476 is replaced by leucine, an amino acid with dissimilar properties. This amino acid position is conserved. In addition, this alteration is predicted to be tolerated by in silico analysis. Based on the available evidence, the clinical significance of this variant remains unclear.